The following is an entry in ClinVar:

ClinVar aggregate classification (germline): Conflicting classifications of pathogenicity. Review status: criteria provided, conflicting classifications (1 of 4 stars). 3 submissions from 3 submitters: Uncertain significance (1); Likely benign (2). Last evaluated 2025-08-13.

Conditions:
NPC1-related disorder. Also called: NPC1-related condition.
Niemann-Pick disease, type C1. Also called: NEUROVISCERAL STORAGE DISEASE WITH VERTICAL SUPRANUCLEAR OPHTHALMOPLEGIA; NIEMANN-PICK DISEASE WITH CHOLESTEROL ESTERIFICATION BLOCK; NIEMANN-PICK DISEASE WITHOUT SPHINGOMYELINASE DEFICIENCY; NIEMANN-PICK DISEASE, CHRONIC NEURONOPATHIC FORM; NIEMANN-PICK DISEASE, VARIANT TYPE C1. Identifiers: Orphanet 646, MedGen C3179455, MONDO:0009757, OMIM 257220.

Allele frequency attached by ClinVar (database versions not stated): TOPMed 0.00001; gnomAD 0.00003 and 0.00005; gnomAD exomes 0.00003 and 0.00004; ExAC 0.00005.
gnomAD v4.1: 48 of 1,613,678 alleles (0.003%); highest among the groups gnomAD compares: South Asian, 0.021%; 1 homozygote.

Submissions (3):

PreventionGenetics, part of Exact Sciences
Classification: Likely benign for NPC1-related condition. Last evaluated: 2025-08-13. Review status: criteria provided, single submitter. Criteria: ACMG Guidelines, 2015. Collection method: clinical testing. Allele origin: germline.
Comment: This variant is classified as likely benign based on ACMG/AMP sequence variant interpretation guidelines (Richards et al. 2015 PMID: 25741868, with internal and published modifications).

Labcorp Genetics (formerly Invitae), Labcorp
Classification: Likely benign for Niemann-Pick disease, type C1. Last evaluated: 2024-04-08. Review status: criteria provided, single submitter. Criteria: Invitae Variant Classification Sherloc (09022015). Collection method: clinical testing. Allele origin: germline.

Illumina Laboratory Services, Illumina
Classification: Uncertain significance for Niemann-Pick disease type C1. Last evaluated: 2018-01-12. Review status: criteria provided, single submitter. Criteria: ICSL Variant Classification Criteria 13 December 2019. Collection method: clinical testing. Allele origin: germline.

NM_000271.5(NPC1):c.2832C>T (p.Asp944=)

Gene: NPC1 (NPC intracellular cholesterol transporter 1; minus strand). Cytogenetic location: 18q11.2.
Variant type: single nucleotide variant.
Coding change: c.2832C>T on transcript NM_000271.5 (MANE Select); coding-DNA position 2832, C replaced by T.
Protein change: p.Asp944=; no amino-acid change (aspartic acid 944 retained).
Molecular consequence: synonymous variant.
Genome position (GRCh38, 1-based): chr18:23,539,434, G>A on the plus strand (C>T on the coding strand, the complement: NPC1 is on the minus strand). VCF-style: chr18-23539434-G-A. GRCh37 (hg19) VCF-style: chr18-21119398-G-A.
Identifiers: ClinVar variation 326255 (VCV000326255.15), dbSNP rs780019300, ClinGen allele CA8912945.